The following is an entry in ClinVar:

NM_002907.4(RECQL):c.562del (p.Tyr188fs)

Gene: RECQL (RecQ like helicase; minus strand). Cytogenetic location: 12p12.1.
Variant type: Deletion.
Coding change: c.562del on transcript NM_002907.4 (MANE Select); coding-DNA position 562, one base deleted (T; older notation c.562delT).
Protein change: p.Tyr188fs; shifts the reading frame from tyrosine 188.
Molecular consequence: frameshift variant.
Genome position (GRCh38, 1-based): chr12:21,483,514, A deleted on the plus strand (T on the coding strand, the reverse complement: RECQL is on the minus strand); the first of 3 consecutive A bases (chr12:21,483,514-21,483,516); deleting any one gives the same sequence. VCF-style (leftmost placement, unchanged base first): chr12-21483513-TA-T. GRCh37 (hg19) VCF-style: chr12-21636447-TA-T.
Other names: c.562del, p.Tyr188fs (NM_032941.3); short protein forms Y188fs.
Identifiers: ClinVar variation 1748740 (VCV001748740.2), dbSNP rs2540375606, ClinGen allele CA2580085230.
Genomic context (GRCh38, chr12:21,483,513, plus strand): 5'-TAGGCTTTCTCTAGTCTTGACATAAACATTTTGCTTTTTGCAATTTTCTCTGGAGTCACA[TA>T]AATCAGCTTTAACTCGGAGTTTTTATTTACCATTTCAGCATGAACCCATTTAACATGCTC-3'

ClinVar aggregate classification (germline): Uncertain significance (1 of 4 stars; one submission).

Submission:

Ambry Genetics
Classification: Uncertain significance. Last evaluated: 2020-08-20. Review status: criteria provided, single submitter. Criteria: Ambry Variant Classification Scheme 2023. Collection method: clinical testing. Allele origin: germline.
Comment: The c.562delT variant, located in coding exon 5 of the RECQL gene, results from a deletion of one nucleotide at nucleotide position 562, causing a translational frameshift with a predicted alternate stop codon (p.Y188Mfs*2). This alteration is expected to result in loss of function by premature protein truncation or nonsense-mediated mRNA decay. However, the gene-disease association for RECQL is limited. Since supporting evidence is limited at this time, the clinical significance of this alteration remains unclear.